The following is an entry in ClinVar:

NM_000038.6(APC):c.2738dup (p.His913fs)

Gene: APC (APC regulator of Wnt signaling pathway; plus strand). Cytogenetic location: 5q22.2.
Variant type: Duplication.
Coding change: c.2738dup on transcript NM_000038.6 (MANE Select); coding-DNA position 2738, one base duplicated (A; older notation c.2738dupA).
Protein change: p.His913fs; shifts the reading frame from histidine 913.
Molecular consequence: frameshift variant. On other transcripts: non-coding transcript variant (2).
Genome position (GRCh38, 1-based): chr5:112,838,332, A duplicated. VCF-style (leftmost placement, unchanged base first): chr5-112838331-C-CA. GRCh37 (hg19) VCF-style: chr5-112174028-C-CA.
Other names: c.2738dup, p.His913fs (NM_001127510.3, NM_001354895.2, NM_001407450.1); c.2684dup, p.His895fs (NM_001127511.3); c.2792dup, p.His931fs (NM_001354896.2, NM_001407447.1, NM_001407448.1 and 1 more transcripts); c.2768dup, p.His923fs (NM_001354897.2); c.2663dup, p.His888fs (NM_001354898.2); c.2654dup, p.His885fs (NM_001354899.2); c.2615dup, p.His872fs (NM_001354900.2); c.2561dup, p.His854fs (NM_001354901.2, NM_001407453.1); and 11 more; short protein forms H529fs, H630fs, H753fs, H784fs, H787fs, H812fs, H822fs, H830fs.
Identifiers: ClinVar variation 2584167 (VCV002584167.2), dbSNP rs2533445751, ClinGen allele CA2582341408.

ClinVar aggregate classification (germline): Pathogenic (1 of 4 stars; one submission).

Conditions:
Familial adenomatous polyposis 1 (FAP1). Also called: FAMILIAL ADENOMATOUS POLYPOSIS 1, ATTENUATED; POLYPOSIS, ADENOMATOUS INTESTINAL. Identifiers: MedGen C2713442, MONDO:0021056, OMIM 175100. Disease mechanism: loss of function.

Submission:

Myriad Genetics, Inc.
Classification: Pathogenic for Familial adenomatous polyposis 1. Last evaluated: 2023-05-05. Review status: criteria provided, single submitter. Criteria: Myriad Autosomal Dominant, Autosomal Recessive and X-Linked Classification Criteria (2023). Collection method: clinical testing. Allele origin: unknown.
Comment: This variant is considered pathogenic. This variant creates a frameshift predicted to result in premature protein truncation.